The following is an entry in ClinVar:

NM_198578.4(LRRK2):c.*1402G>T

Gene: LRRK2 (leucine rich repeat kinase 2; plus strand). Cytogenetic location: 12q12.
Variant type: single nucleotide variant.
Coding change: c.*1402G>T on transcript NM_198578.4 (MANE Select); 1402 bases downstream of the stop codon, G replaced by T.
Molecular consequence: 3 prime UTR variant.
Genome position (GRCh38, 1-based): chr12:40,369,167, G>T. VCF-style: chr12-40369167-G-T. GRCh37 (hg19) VCF-style: chr12-40762969-G-T.
Other names: NC_000012.11:g.40762969G>T.
Identifiers: ClinVar variation 883734 (VCV000883734.36), dbSNP rs201559861, ClinGen allele CA235362814.

ClinVar aggregate classification (germline): Conflicting classifications of pathogenicity. Review status: criteria provided, conflicting classifications (1 of 4 stars). 2 submissions from 2 submitters: Uncertain significance (1); Benign (1). Last evaluated 2022-09-01.

Conditions:
Autosomal dominant Parkinson disease 8. Also called: LRRK2-Related Parkinson Disease; Parkinson disease 8; Parkinson disease 8, susceptibility to. Identifiers: Orphanet 411602, MedGen C1846862, MONDO:0011764, OMIM 607060.

Allele frequency attached by ClinVar (database versions not stated): 1000 Genomes Project 30x 0.00031; 1000 Genomes Project 0.00040; gnomAD 0.00083 and 0.00107; TOPMed 0.00135.

Submissions (3):

CeGaT Center for Human Genetics Tuebingen
Classification: Benign. Last evaluated: 2022-09-01. Review status: criteria provided, single submitter. Criteria: CeGaT Center For Human Genetics Tuebingen Variant Classification Criteria Version 2. Collection method: clinical testing. Allele origin: germline. Affected: yes. Observed: 2 variant alleles.
Comment: LRRK2: BS1, BS2

Illumina Laboratory Services, Illumina
Classification: Uncertain significance for Autosomal dominant Parkinson disease 8. Last evaluated: 2018-01-13. Review status: criteria provided, single submitter. Criteria: ICSL Variant Classification Criteria 13 December 2019. Collection method: clinical testing. Allele origin: germline.

Dr. Peter K. Rogan Lab, Western University
No classification provided (evidence only). Condition: Acute myeloid leukemia. Review status: no classification provided. Collection method: in vitro. Allele origin: not applicable. Functional consequence: retained intron. Not counted in ClinVar's aggregate classification.